The following is an entry in ClinVar:

NM_000372.5(TYR):c.559G>A (p.Ala187Thr)

Gene: TYR (tyrosinase; plus strand). Cytogenetic location: 11q14.3.
Variant type: single nucleotide variant.
Coding change: c.559G>A on transcript NM_000372.5 (MANE Select); coding-DNA position 559, G replaced by A.
Protein change: p.Ala187Thr; replaces alanine 187 with threonine.
Molecular consequence: missense variant.
Genome position (GRCh38, 1-based): chr11:89,178,512, G>A. VCF-style: chr11-89178512-G-A. GRCh37 (hg19) VCF-style: chr11-88911680-G-A.
Other names: short protein forms A187T.
Identifiers: ClinVar variation 4995471 (VCV004995471.1).

ClinVar aggregate classification (germline): Uncertain significance (1 of 4 stars; one submission).

Conditions:
TYR-related disorder. Also called: TYR-related condition.

Submission:

PreventionGenetics, part of Exact Sciences
Classification: Uncertain significance for TYR-related condition. Last evaluated: 2025-09-03. Review status: criteria provided, single submitter. Criteria: ACMG Guidelines, 2015. Collection method: clinical testing. Allele origin: germline.
Comment: The TYR c.559G>A variant is predicted to result in the amino acid substitution p.Ala187Thr. To our knowledge, this variant has not been reported in the literature. This variant is reported in 0.0058% of alleles in individuals of Latino descent in gnomAD. At this time, the clinical significance of this variant is uncertain due to the absence of conclusive functional and genetic evidence.